The following is an entry in ClinVar:

NM_001378452.1(ITPR1):c.7024C>T (p.Arg2342Trp)

Gene: ITPR1 (inositol 1,4,5-trisphosphate receptor type 1; plus strand). Cytogenetic location: 3p26.1.
Variant type: single nucleotide variant.
Coding change: c.7024C>T on transcript NM_001378452.1 (MANE Select); coding-DNA position 7024, C replaced by T.
Protein change: p.Arg2342Trp; replaces arginine 2342 with tryptophan.
Molecular consequence: missense variant.
Genome position (GRCh38, 1-based): chr3:4,800,517, C>T. VCF-style: chr3-4800517-C-T. GRCh37 (hg19) VCF-style: chr3-4842201-C-T.
Other names: c.6880C>T, p.Arg2294Trp (NM_001099952.4); c.6979C>T, p.Arg2327Trp (NM_001168272.2); c.6835C>T, p.Arg2279Trp (NM_002222.7); short protein forms R2279W, R2294W, R2327W, R2342W.
Identifiers: ClinVar variation 2417760 (VCV002417760.27), dbSNP rs763704589, ClinGen allele CA2232759.

ClinVar aggregate classification (germline): Uncertain significance. Review status: criteria provided, multiple submitters, no conflicts (2 of 4 stars). 2 submissions from 2 submitters: Uncertain significance (2). Last evaluated 2025-07-23.

Allele frequency attached by ClinVar (database versions not stated): ExAC 0.00001; gnomAD exomes 0.00003; gnomAD 0.00005; TOPMed 0.00005.
gnomAD v4.1: 55 of 1,613,906 alleles (0.0034%); highest among the groups gnomAD compares: East Asian, 0.016%; no homozygotes.

Submissions (2):

Labcorp Genetics (formerly Invitae), Labcorp
Classification: Uncertain significance. Last evaluated: 2025-07-23. Review status: criteria provided, single submitter. Criteria: Invitae Variant Classification Sherloc (09022015). Collection method: clinical testing. Allele origin: germline.
Comment: This sequence change replaces arginine, which is basic and polar, with tryptophan, which is neutral and slightly polar, at codon 2279 of the ITPR1 protein (p.Arg2279Trp). This variant is present in population databases (rs763704589, gnomAD 0.004%). This missense change has been observed in individual(s) with clinical features of ITPR1-related conditions (PMID: 8191889). This variant is also known as c.6979C>T (p.Arg2327Trp). ClinVar contains an entry for this variant (Variation ID: 2417760). Invitae Evidence Modeling of protein sequence and biophysical properties (such as structural, functional, and spatial information, amino acid conservation, physicochemical variation, residue mobility, and thermodynamic stability) has been performed for this missense variant. However, the output from this modeling did not meet the statistical confidence thresholds required to predict the impact of this variant on ITPR1 protein function. In summary, the available evidence is currently insufficient to determine the role of this variant in disease. Therefore, it has been classified as a Variant of Uncertain Significance.

CeGaT Center for Human Genetics Tuebingen
Classification: Uncertain significance. Last evaluated: 2024-02-01. Review status: criteria provided, single submitter. Criteria: CeGaT Center For Human Genetics Tuebingen Variant Classification Criteria Version 2. Collection method: clinical testing. Allele origin: germline. Affected: yes. Observed: 1 variant allele.
Comment: ITPR1: PM2, PP3

Literature cited by the submitters: PubMed 8191889 (cited by Labcorp Genetics (formerly Invitae), Labcorp).